The following is an entry in ClinVar:

NM_177986.5(DSG4):c.3049G>A (p.Val1017Ile)

Genes: DSG1-AS1 (DSG1 antisense RNA 1; minus strand), DSG4 (desmoglein 4; plus strand). Cytogenetic location: 18q12.1.
Variant type: single nucleotide variant.
Coding change: c.3049G>A on transcript NM_177986.5 (MANE Select); coding-DNA position 3049, G replaced by A.
Protein change: p.Val1017Ile; replaces valine 1017 with isoleucine.
Molecular consequence: missense variant.
Genome position (GRCh38, 1-based): chr18:31,413,521, G>A. VCF-style: chr18-31413521-G-A. GRCh37 (hg19) VCF-style: chr18-28993484-G-A.
Other names: c.3106G>A, p.Val1036Ile (NM_001134453.3); short protein forms V1036I, V1017I.
Identifiers: ClinVar variation 3505455 (VCV003505455.2).

ClinVar aggregate classification (germline): Conflicting classifications of pathogenicity. Review status: criteria provided, conflicting classifications (1 of 4 stars). 2 submissions from 2 submitters: Uncertain significance (1); Likely benign (1). Last evaluated 2024-12-10.

Conditions:
Inborn genetic diseases. Identifiers: MedGen C0950123, MeSH D030342.

Submissions (2):

Ambry Genetics
Classification: Likely benign for Inborn genetic diseases. Last evaluated: 2024-12-10. Review status: criteria provided, single submitter. Criteria: Ambry Variant Classification Scheme 2023. Collection method: clinical testing. Allele origin: germline.

GeneDx
Classification: Uncertain significance. Last evaluated: 2024-10-14. Review status: criteria provided, single submitter. Criteria: GeneDx Variant Classification Process June 2021. Collection method: clinical testing. Allele origin: germline. Affected: yes.
Comment: In silico analysis indicates that this missense variant does not alter protein structure/function; Has not been previously published as pathogenic or benign to our knowledge